The following is an entry in ClinVar:

ClinVar aggregate classification (germline): Uncertain significance. Review status: criteria provided, multiple submitters, no conflicts (2 of 4 stars). 3 submissions from 3 submitters: Uncertain significance (2). 1 of the submissions does not count toward it. Last evaluated 2025-03-10.

Conditions:
CYC1-related disorder. Also called: CYC1-related condition.

Allele frequency attached by ClinVar (database versions not stated): gnomAD 0.00048; ExAC 0.00017; 1000 Genomes Project 0.00080; ESP Exome Variant Server 0.00031; 1000 Genomes Project 30x 0.00109.
gnomAD v4.1: 160 of 1,602,286 alleles (0.01%); highest among the groups gnomAD compares: African/African-American, 0.16%; 1 homozygote.

Submissions (3):

Mayo Clinic Laboratories, Mayo Clinic
Classification: Uncertain significance. Last evaluated: 2025-03-10. Review status: criteria provided, single submitter. Criteria: ACMG Guidelines, 2015. Collection method: clinical testing. Allele origin: germline. Observed: 1 variant allele.
Comment: BP4_moderate

Labcorp Genetics (formerly Invitae), Labcorp
Classification: Uncertain significance. Last evaluated: 2025-02-11. Review status: criteria provided, single submitter. Criteria: Invitae Variant Classification Sherloc (09022015). Collection method: clinical testing. Allele origin: germline.
Comment: This sequence change replaces threonine, which is neutral and polar, with asparagine, which is neutral and polar, at codon 108 of the CYC1 protein (p.Thr108Asn). This variant is present in population databases (rs145609083, gnomAD 0.2%), and has an allele count higher than expected for a pathogenic variant. This variant has not been reported in the literature in individuals affected with CYC1-related conditions. ClinVar contains an entry for this variant (Variation ID: 2063041). Invitae Evidence Modeling of protein sequence and biophysical properties (such as structural, functional, and spatial information, amino acid conservation, physicochemical variation, residue mobility, and thermodynamic stability) indicates that this missense variant is not expected to disrupt CYC1 protein function with a negative predictive value of 80%. In summary, the available evidence is currently insufficient to determine the role of this variant in disease. Therefore, it has been classified as a Variant of Uncertain Significance.

PreventionGenetics, part of Exact Sciences
Classification: Likely benign for CYC1-related condition. Last evaluated: 2023-07-17. Review status: no assertion criteria provided. Collection method: clinical testing. Allele origin: germline. Not counted in ClinVar's aggregate classification.
Comment: This variant is classified as likely benign based on ACMG/AMP sequence variant interpretation guidelines (Richards et al. 2015 PMID: 25741868, with internal and published modifications).

NM_001916.5(CYC1):c.323C>A (p.Thr108Asn)

Gene: CYC1 (cytochrome c1; plus strand). Cytogenetic location: 8q24.3.
Variant type: single nucleotide variant.
Coding change: c.323C>A on transcript NM_001916.5 (MANE Select); coding-DNA position 323, C replaced by A.
Protein change: p.Thr108Asn; replaces threonine 108 with asparagine.
Molecular consequence: missense variant.
Genome position (GRCh38, 1-based): chr8:144,096,026, C>A. VCF-style: chr8-144096026-C-A. GRCh37 (hg19) VCF-style: chr8-145150929-C-A.
Other names: p.Thr108Asn; c.323C>A (NM_001916.4); short protein forms T108N.
Identifiers: ClinVar variation 2063041 (VCV002063041.7), dbSNP rs145609083, ClinGen allele CA4933336.